The following is an entry in ClinVar:

ClinVar aggregate classification (germline): Uncertain significance. Review status: criteria provided, multiple submitters, no conflicts (2 of 4 stars). 5 submissions from 2 submitters: Uncertain significance (5). Last evaluated 2024-11-25.

Conditions:
Anophthalmia-microphthalmia syndrome. Also called: Anophthalmia - microphthalmia; Anophthalmia/Microphthalmia. Identifiers: Orphanet 98555, MedGen C5680330, MONDO:0020147.
Autosomal dominant keratitis. Also called: Keratitis, hereditary. Identifiers: Orphanet 2334, MedGen C1835698, MONDO:0007848, OMIM 148190.
carboxymethyl-dextran-A2-gadolinium-DOTA.
PAX6-related disorder. Also called: PAX6-related disorders; PAX6-related condition.
Foveal hypoplasia 1. Also called: FOVEAL HYPOPLASIA 1 WITH OR WITHOUT ANTERIOR SEGMENT ANOMALIES AND/OR CATARACT; FOVEAL HYPOPLASIA 1 WITH ANTERIOR SEGMENT ANOMALIES. Identifiers: Orphanet 2253, MedGen C3805604, MONDO:0007628, OMIM 136520.

Allele frequency attached by ClinVar (database versions not stated): gnomAD exomes below 0.00001 and 0.00001.
gnomAD v4.1: 5 of 1,614,088 alleles (0.00031%); highest among the groups gnomAD compares: South Asian, 0.0022%; no homozygotes.

Submissions (5):

PreventionGenetics, part of Exact Sciences
Classification: Uncertain significance for PAX6-related condition. Last evaluated: 2024-11-25. Review status: criteria provided, single submitter. Criteria: ACMG Guidelines, 2015. Collection method: clinical testing. Allele origin: germline.
Comment: The PAX6 c.560C>T variant is predicted to result in the amino acid substitution p.Thr187Met. To our knowledge, this variant has not been reported in the literature. This variant is present in 0.0018% of alleles in individuals of European (Non-Finnish) descent in gnomAD. At this time, the clinical significance of this variant is uncertain due to the absence of conclusive functional and genetic evidence.

Illumina Laboratory Services, Illumina
Classification: Uncertain significance for Foveal hypoplasia 1. Last evaluated: 2017-04-27. Review status: criteria provided, single submitter. Criteria: ICSL Variant Classification Criteria 13 December 2019. Collection method: clinical testing. Allele origin: germline.

Illumina Laboratory Services, Illumina
Classification: Uncertain significance for Anophthalmia-microphthalmia syndrome. Last evaluated: 2017-04-27. Review status: criteria provided, single submitter. Criteria: ICSL Variant Classification Criteria 13 December 2019. Collection method: clinical testing. Allele origin: germline.

Illumina Laboratory Services, Illumina
Classification: Uncertain significance for Autosomal dominant keratitis. Last evaluated: 2017-04-27. Review status: criteria provided, single submitter. Criteria: ICSL Variant Classification Criteria 13 December 2019. Collection method: clinical testing. Allele origin: germline.

Illumina Laboratory Services, Illumina
Classification: Uncertain significance for carboxymethyl-dextran-A2-gadolinium-DOTA. Last evaluated: 2017-04-27. Review status: criteria provided, single submitter. Criteria: ICSL Variant Classification Criteria 13 December 2019. Collection method: clinical testing. Allele origin: germline.

NM_001368894.2(PAX6):c.560C>T (p.Thr187Met)

Gene: PAX6 (paired box 6; minus strand). Cytogenetic location: 11p13.
Variant type: single nucleotide variant.
Coding change: c.560C>T on transcript NM_001368894.2 (MANE Select); coding-DNA position 560, C replaced by T.
Protein change: p.Thr187Met; replaces threonine 187 with methionine.
Molecular consequence: missense variant. On other transcripts: non-coding transcript variant (2).
Genome position (GRCh38, 1-based): chr11:31,800,696, G>A on the plus strand (C>T on the coding strand, the complement: PAX6 is on the minus strand). VCF-style: chr11-31800696-G-A. GRCh37 (hg19) VCF-style: chr11-31822244-G-A.
Other names: c.560C>T (NM_001604.5); c.518C>T, p.Thr173Met (NM_000280.6, NM_001127612.3, NM_001258464.2 and 10 more transcripts); c.560C>T, p.Thr187Met (NM_001258462.3, NM_001258463.2, NM_001368893.2 and 6 more transcripts); c.110C>T, p.Thr37Met (NM_001368899.2, NM_001368900.2, NM_001368901.2 and 11 more transcripts); c.635C>T, p.Thr212Met (NM_001368918.2, NM_001368919.2); c.593C>T, p.Thr198Met (NM_001368920.2); c.359C>T, p.Thr120Met (NM_001368921.2, NM_001368922.2, NM_001368923.2 and 4 more transcripts); c.317C>T, p.Thr106Met (NM_001368928.2); and 2 more; short protein forms T212M, T254M, T37M, T173M, T188M, T106M, T120M, T198M.
Identifiers: ClinVar variation 879290 (VCV000879290.6), dbSNP rs1159095794, ClinGen allele CA379957884.